The following is an entry in ClinVar:

ClinVar aggregate classification (germline): Uncertain significance. Review status: criteria provided, multiple submitters, no conflicts (2 of 4 stars). 2 submissions from 2 submitters: Uncertain significance (2). Last evaluated 2022-02-05.

Conditions:
Arrhythmogenic right ventricular cardiomyopathy (ARVD). Also called: Cardiomyopathy, ARVC; Arrhythmogenic right ventricular dysplasia; Arrhythmogenic cardiomyopathy; Arrhythmogenic Right Ventricular Cardiomyopathy (ARVC). Identifiers: Orphanet 247, MedGen C0349788, MeSH D019571, MONDO:0016587. Disease mechanism: loss of function. Inheritance: Various modes of inheritance.
Arrhythmogenic right ventricular dysplasia 10. Also called: Arrhythmogenic Right Ventricular Dysplasia/Cardiomyopathy10; ARRHYTHMOGENIC RIGHT VENTRICULAR DYSPLASIA, FAMILIAL, 10; Arrhythmogenic right ventricular dysplasia/cardiomyopathy, type 10. Identifiers: MedGen C1857777, MONDO:0012434, OMIM 610193.

Submissions (2):

Labcorp Genetics (formerly Invitae), Labcorp
Classification: Uncertain significance for Arrhythmogenic right ventricular dysplasia 10. Last evaluated: 2022-02-05. Review status: criteria provided, single submitter. Criteria: Invitae Variant Classification Sherloc (09022015). Collection method: clinical testing. Allele origin: germline.
Comment: In summary, the available evidence is currently insufficient to determine the role of this variant in disease. Therefore, it has been classified as a Variant of Uncertain Significance. Algorithms developed to predict the effect of missense changes on protein structure and function output the following: SIFT: "Tolerated"; PolyPhen-2: "Benign"; Align-GVGD: "Class C0". The valine amino acid residue is found in multiple mammalian species, which suggests that this missense change does not adversely affect protein function. ClinVar contains an entry for this variant (Variation ID: 1038473). This variant has not been reported in the literature in individuals affected with DSG2-related conditions. This variant is not present in population databases (gnomAD no frequency). This sequence change replaces isoleucine, which is neutral and non-polar, with valine, which is neutral and non-polar, at codon 262 of the DSG2 protein (p.Ile262Val).

Department of Pathology and Laboratory Medicine, Sinai Health System
Classification: Uncertain significance for arrhythmogenic right ventricular cardiomyopathy. Last evaluated: 2022-01-26. Review status: criteria provided, single submitter. Criteria: ACMG Guidelines, 2015. Collection method: research. Allele origin: germline.

NM_001943.5(DSG2):c.784A>G (p.Ile262Val)

Gene: DSG2 (desmoglein 2; plus strand). Cytogenetic location: 18q12.1.
Variant type: single nucleotide variant.
Coding change: c.784A>G on transcript NM_001943.5 (MANE Select); coding-DNA position 784, A replaced by G.
Protein change: p.Ile262Val; replaces isoleucine 262 with valine.
Molecular consequence: missense variant.
Genome position (GRCh38, 1-based): chr18:31,524,541, A>G. VCF-style: chr18-31524541-A-G. GRCh37 (hg19) VCF-style: chr18-29104504-A-G.
Other names: short protein forms I262V.
Identifiers: ClinVar variation 1038473 (VCV001038473.9), dbSNP rs2073149359, ClinGen allele CA402135157.